The following is an entry in ClinVar:

ClinVar aggregate classification (germline): Uncertain significance (1 of 4 stars; one submission).

Conditions:
Fanconi anemia (FA). Also called: Fanconi's anemia. Identifiers: Orphanet 84, MedGen C0015625, MeSH D005199, MONDO:0019391.

Submission:

Labcorp Genetics (formerly Invitae), Labcorp
Classification: Uncertain significance for Fanconi anemia. Last evaluated: 2025-10-14. Review status: criteria provided, single submitter. Criteria: Invitae Variant Classification Sherloc (09022015). Collection method: clinical testing. Allele origin: germline.
Comment: This sequence change replaces proline, which is neutral and non-polar, with threonine, which is neutral and polar, at codon 1095 of the SLX4 protein (p.Pro1095Thr). This variant is not present in population databases (gnomAD no frequency). This variant has not been reported in the literature in individuals affected with SLX4-related conditions. An algorithm developed to predict the effect of missense changes on protein structure and function (PolyPhen-2) suggests that this variant is likely to be disruptive. In summary, the available evidence is currently insufficient to determine the role of this variant in disease. Therefore, it has been classified as a Variant of Uncertain Significance.

NM_032444.4(SLX4):c.3283C>A (p.Pro1095Thr)

Gene: SLX4 (SLX4 structure-specific endonuclease subunit; minus strand). Cytogenetic location: 16p13.3.
Variant type: single nucleotide variant.
Coding change: c.3283C>A on transcript NM_032444.4 (MANE Select); coding-DNA position 3283, C replaced by A.
Protein change: p.Pro1095Thr; replaces proline 1095 with threonine.
Molecular consequence: missense variant.
Genome position (GRCh38, 1-based): chr16:3,590,355, G>T on the plus strand (C>A on the coding strand, the complement: SLX4 is on the minus strand). VCF-style: chr16-3590355-G-T. GRCh37 (hg19) VCF-style: chr16-3640356-G-T.
Other names: short protein forms P1095T.
Identifiers: ClinVar variation 4773294 (VCV004773294.1).
Genomic context (GRCh38, chr16:3,590,355, plus strand): 5'-GGACCCCCTTATTTCTGCACTCCAGCACGGACCGACGCTCTTTGCCTTTCTGGTGCCCTG[G>T]CTCTTTAGACAGCGTGAGGATGCTCCTGTCCCTTTTCTGCTTTGATGGCACAGCTGGAGA-3'
Protein context (NP_115820.2, residues 1085-1105): DRSILTLSKE[Pro1095Thr]GHQKGKERRS